The following is an entry in ClinVar:

NM_004104.5(FASN):c.2864G>C (p.Ser955Thr)

Gene: FASN (fatty acid synthase; minus strand). Cytogenetic location: 17q25.3.
Variant type: single nucleotide variant.
Coding change: c.2864G>C on transcript NM_004104.5 (MANE Select); coding-DNA position 2864, G replaced by C.
Protein change: p.Ser955Thr; replaces serine 955 with threonine.
Molecular consequence: missense variant.
Genome position (GRCh38, 1-based): chr17:82,087,956, C>G on the plus strand (G>C on the coding strand, the complement: FASN is on the minus strand). VCF-style: chr17-82087956-C-G. GRCh37 (hg19) VCF-style: chr17-80045832-C-G.
Other names: short protein forms S955T.
Identifiers: ClinVar variation 856275 (VCV000856275.11), dbSNP rs201286169, ClinGen allele CA8852618.
Genomic context (GRCh38, chr17:82,087,956, plus strand): 5'-GGGCGGCATGGCCAGCGGGCACAGCCTCCGCAGCTCCCGTGCCACCGGCCCTGCTTACCA[C>G]TCACTACCAGGTTGCCGTTCTCTGACACCTCGAAGGCACGGGAGGCCTCCAGGAGCCGTA-3'
Protein context (NP_004095.4, residues 945-965): EVSENGNLVV[Ser955Thr]GKVYQWDDPD

ClinVar aggregate classification (germline): Uncertain significance. Review status: criteria provided, multiple submitters, no conflicts (2 of 4 stars). 2 submissions from 2 submitters: Uncertain significance (2). Last evaluated 2025-09-08.

Conditions:
Epileptic encephalopathy. Identifiers: MedGen C0543888, HP:0200134.

Allele frequency attached by ClinVar (database versions not stated): gnomAD 0.00003 and 0.00002; gnomAD exomes 0.00004 and 0.00001; 1000 Genomes Project 0.00020; ExAC 0.00002; TOPMed 0.00002; 1000 Genomes Project 30x 0.00016.
gnomAD v4.1: 19 of 1,612,748 alleles (0.0012%); highest among the groups gnomAD compares: Admixed American, 0.022%; no homozygotes.

Submissions (2):

Labcorp Genetics (formerly Invitae), Labcorp
Classification: Uncertain significance for Epileptic encephalopathy. Last evaluated: 2025-09-08. Review status: criteria provided, single submitter. Criteria: Invitae Variant Classification Sherloc (09022015). Collection method: clinical testing. Allele origin: germline.
Comment: This sequence change replaces serine, which is neutral and polar, with threonine, which is neutral and polar, at codon 955 of the FASN protein (p.Ser955Thr). This variant is present in population databases (rs201286169, gnomAD 0.03%). This variant has not been reported in the literature in individuals affected with FASN-related conditions. ClinVar contains an entry for this variant (Variation ID: 856275). An algorithm developed to predict the effect of missense changes on protein structure and function (PolyPhen-2) suggests that this variant is likely to be tolerated. In summary, the available evidence is currently insufficient to determine the role of this variant in disease. Therefore, it has been classified as a Variant of Uncertain Significance.

Ambry Genetics
Classification: Uncertain significance. Last evaluated: 2025-03-03. Review status: criteria provided, single submitter. Criteria: Ambry Variant Classification Scheme 2023. Collection method: clinical testing. Allele origin: germline.